The following is an entry in ClinVar:

ClinVar aggregate classification (germline): Uncertain significance (1 of 4 stars; one submission).

Conditions:
Cardiovascular phenotype. Identifiers: MedGen CN230736.

gnomAD v4.1: 6 of 1,614,198 alleles (0.00037%); highest among the groups gnomAD compares: South Asian, 0.0022%; no homozygotes.

Submission:

Ambry Genetics
Classification: Uncertain significance for Cardiovascular phenotype. Last evaluated: 2025-06-16. Review status: criteria provided, single submitter. Criteria: Ambry Variant Classification Scheme 2023. Collection method: clinical testing. Allele origin: germline.
Comment: The p.M4116V variant (also known as c.12346A>G), located in coding exon 21 of the ALMS1 gene, results from an A to G substitution at nucleotide position 12346. The methionine at codon 4116 is replaced by valine, an amino acid with highly similar properties. This amino acid position is highly conserved in available vertebrate species. In addition, the in silico prediction for this alteration is inconclusive. Based on the available evidence, the clinical significance of this variant remains unclear.

NM_001378454.1(ALMS1):c.12343A>G (p.Met4115Val)

Gene: ALMS1 (ALMS1 centrosome and basal body associated protein; plus strand). Cytogenetic location: 2p13.1.
Variant type: single nucleotide variant.
Coding change: c.12343A>G on transcript NM_001378454.1 (MANE Select); coding-DNA position 12343, A replaced by G.
Protein change: p.Met4115Val; replaces methionine 4115 with valine.
Molecular consequence: missense variant.
Genome position (GRCh38, 1-based): chr2:73,603,285, A>G. VCF-style: chr2-73603285-A-G. GRCh37 (hg19) VCF-style: chr2-73830412-A-G.
Other names: c.12346A>G, p.Met4116Val (NM_015120.4); short protein forms M4116V, M4115V.
Identifiers: ClinVar variation 4274754 (VCV004274754.1).